The following is an entry in ClinVar:

NM_000222.3(KIT):c.2142-6T>C

Gene: KIT (KIT proto-oncogene, receptor tyrosine kinase; plus strand). Cytogenetic location: 4q12.
Variant type: single nucleotide variant.
Coding change: c.2142-6T>C on transcript NM_000222.3 (MANE Select); 6 bases into the intron before coding-DNA position 2142, T replaced by C.
Molecular consequence: intron variant.
Genome position (GRCh38, 1-based): chr4:54,731,322, T>C. VCF-style: chr4-54731322-T-C. GRCh37 (hg19) VCF-style: chr4-55597488-T-C.
Other names: c.2145-6T>C (NM_001385284.1); c.2145-9T>C (NM_001385290.1); c.2133-6T>C (NM_001385288.1); c.2133-9T>C (NM_001385292.1); c.2142-9T>C (NM_001385285.1); c.2130-6T>C (NM_001093772.2); c.2130-9T>C (NM_001385286.1).
Identifiers: ClinVar variation 4876053 (VCV004876053.1).

ClinVar aggregate classification (germline): Likely benign (1 of 4 stars; one submission).

Conditions:
Gastrointestinal stromal tumor. Also called: Gastrointestinal stromal tumor, somatic; Gastrointestinal stroma tumor. Identifiers: Orphanet 44890, MedGen C0238198, MeSH D046152, MONDO:0011719, OMIM 606764, HP:0100723.

Submission:

Myriad Genetics, Inc.
Classification: Likely benign for Gastrointestinal stromal tumor. Last evaluated: 2026-05-29. Review status: criteria provided, single submitter. Criteria: Myriad Autosomal Dominant, Autosomal Recessive and X-Linked Classification Criteria (2023). Collection method: clinical testing. Allele origin: unknown.
Comment: This variant is considered likely benign. This variant is intronic and is not expected to impact mRNA splicing.